The following is an entry in ClinVar:

ClinVar aggregate classification (germline): Uncertain significance (1 of 4 stars; one submission).

gnomAD v4.1: 5 of 1,563,568 alleles (0.00032%); highest among the groups gnomAD compares: African/African-American, 0.0042%; no homozygotes.

Submission:

Labcorp Genetics (formerly Invitae), Labcorp
Classification: Uncertain significance. Last evaluated: 2024-02-17. Review status: criteria provided, single submitter. Criteria: Invitae Variant Classification Sherloc (09022015). Collection method: clinical testing. Allele origin: germline.
Comment: This sequence change replaces glutamic acid, which is acidic and polar, with lysine, which is basic and polar, at codon 30 of the ARIH1 protein (p.Glu30Lys). The frequency data for this variant in the population databases is considered unreliable, as metrics indicate poor data quality at this position in the gnomAD database. This variant has not been reported in the literature in individuals affected with ARIH1-related conditions. Experimental studies and prediction algorithms are not available or were not evaluated, and the functional significance of this variant is currently unknown. In summary, the available evidence is currently insufficient to determine the role of this variant in disease. Therefore, it has been classified as a Variant of Uncertain Significance.

NM_005744.5(ARIH1):c.88G>A (p.Glu30Lys)

Gene: ARIH1 (ariadne RBR E3 ubiquitin protein ligase 1; plus strand). Cytogenetic location: 15q24.1.
Variant type: single nucleotide variant.
Coding change: c.88G>A on transcript NM_005744.5 (MANE Select); coding-DNA position 88, G replaced by A.
Protein change: p.Glu30Lys; replaces glutamic acid 30 with lysine.
Molecular consequence: missense variant.
Genome position (GRCh38, 1-based): chr15:72,474,727, G>A. VCF-style: chr15-72474727-G-A. GRCh37 (hg19) VCF-style: chr15-72767068-G-A.
Other names: short protein forms E30K.
Identifiers: ClinVar variation 3682103 (VCV003682103.2).